The following is an entry in ClinVar:

ClinVar aggregate classification (germline): Uncertain significance (1 of 4 stars; one submission).

Conditions:
Hereditary sensory and autonomic neuropathy type 6. Also called: HSAN VI; Neuropathy, hereditary sensory and autonomic, type VI. Identifiers: Orphanet 314381, MedGen C3539003, MONDO:0013839, OMIM 614653.
Epidermolysis bullosa simplex 3, localized or generalized intermediate, with BP230 deficiency (EBS3). Also called: Epidermolysis bullosa simplex, autosomal recessive 2; Epidermolysis bullosa simplex due to BP230 deficiency. Identifiers: Orphanet 412181, MedGen C3809470, MONDO:0014180, OMIM 615425.

Submission:

Labcorp Genetics (formerly Invitae), Labcorp
Classification: Uncertain significance for Epidermolysis bullosa simplex 3, localized or generalized intermediate, with BP230 deficiency; Hereditary sensory and autonomic neuropathy type 6. Last evaluated: 2021-04-01. Review status: criteria provided, single submitter. Criteria: Invitae Variant Classification Sherloc (09022015). Collection method: clinical testing. Allele origin: germline.
Comment: This variant is not present in population databases (ExAC no frequency). In summary, the available evidence is currently insufficient to determine the role of this variant in disease. Therefore, it has been classified as a Variant of Uncertain Significance. Experimental studies and prediction algorithms are not available or were not evaluated, and the functional significance of this variant is currently unknown. This variant has not been reported in the literature in individuals with DST-related conditions. ClinVar contains an entry for this variant (Variation ID: 643355). This sequence change replaces aspartic acid with glycine at codon 1560 of the DST protein (p.Asp1560Gly). The DST gene has multiple clinically relevant transcripts. The p.Asp1560Gly variant occurs in alternate transcript NM_015548.4, which corresponds to c.*21676A>G in NM_001723.5, the primary transcript listed in the Methods.

NM_001374736.1(DST):c.12548A>G (p.Asp4183Gly)

Gene: DST (dystonin; minus strand). Cytogenetic location: 6p12.1.
Variant type: single nucleotide variant.
Coding change: c.12548A>G on transcript NM_001374736.1 (MANE Select); coding-DNA position 12548, A replaced by G.
Protein change: p.Asp4183Gly; replaces aspartic acid 4183 with glycine.
Molecular consequence: missense variant.
Genome position (GRCh38, 1-based): chr6:56,593,841, T>C on the plus strand (A>G on the coding strand, the complement: DST is on the minus strand). VCF-style: chr6-56593841-T-C. GRCh37 (hg19) VCF-style: chr6-56458639-T-C.
Other names: c.6191A>G, p.Asp2064Gly (NM_001144769.5); c.5777A>G, p.Asp1926Gly (NM_001144770.2); c.12548A>G, p.Asp4183Gly (NM_001374722.1); c.11915A>G, p.Asp3972Gly (NM_001374729.1); c.5657A>G, p.Asp1886Gly (NM_001374730.1, NM_001386100.1, NM_183380.4); c.12575A>G, p.Asp4192Gly (NM_001374734.1); c.4679A>G, p.Asp1560Gly (NM_015548.5); short protein forms D1886G, D1926G, D1560G, D2064G, D3972G, D4183G, D4192G.
Identifiers: ClinVar variation 643355 (VCV000643355.7), dbSNP rs1462100722, ClinGen allele CA364525821.